The following is an entry in ClinVar:

ClinVar aggregate classification (germline): Uncertain significance (1 of 4 stars; one submission).

Conditions:
Hereditary nonpolyposis colorectal neoplasms. Identifiers: MedGen C0009405, MeSH D003123.

gnomAD v4.1: 1 of 1,614,052 alleles (0.000062%); highest among the groups gnomAD compares: Non-Finnish European, 0.000085%; no homozygotes.

Submission:

Labcorp Genetics (formerly Invitae), Labcorp
Classification: Uncertain significance for Hereditary nonpolyposis colorectal neoplasms. Last evaluated: 2022-10-16. Review status: criteria provided, single submitter. Criteria: Invitae Variant Classification Sherloc (09022015). Collection method: clinical testing. Allele origin: germline.
Comment: Advanced modeling of protein sequence and biophysical properties (such as structural, functional, and spatial information, amino acid conservation, physicochemical variation, residue mobility, and thermodynamic stability) performed at Invitae indicates that this missense variant is not expected to disrupt MSH6 protein function. ClinVar contains an entry for this variant (Variation ID: 410389). This variant has not been reported in the literature in individuals affected with MSH6-related conditions. This variant is not present in population databases (gnomAD no frequency). This sequence change replaces threonine, which is neutral and polar, with alanine, which is neutral and non-polar, at codon 1282 of the MSH6 protein (p.Thr1282Ala). In summary, the available evidence is currently insufficient to determine the role of this variant in disease. Therefore, it has been classified as a Variant of Uncertain Significance.

NM_000179.3(MSH6):c.3844A>G (p.Thr1282Ala)

Gene: MSH6 (mutS homolog 6; plus strand). Cytogenetic location: 2p16.3.
Variant type: single nucleotide variant.
Coding change: c.3844A>G on transcript NM_000179.3 (MANE Select); coding-DNA position 3844, A replaced by G.
Protein change: p.Thr1282Ala; replaces threonine 1282 with alanine.
Molecular consequence: missense variant.
Genome position (GRCh38, 1-based): chr2:47,806,494, A>G. VCF-style: chr2-47806494-A-G. GRCh37 (hg19) VCF-style: chr2-48033633-A-G.
Other names: c.3454A>G, p.Thr1152Ala (NM_001281492.2); c.2938A>G, p.Thr980Ala (NM_001281493.2, NM_001281494.2); short protein forms T1282A, T1152A, T980A.
Identifiers: ClinVar variation 410389 (VCV000410389.10), dbSNP rs764507968, ClinGen allele CA16611080.
Genomic context (GRCh38, chr2:47,806,494, plus strand): 5'-ATATTTTTCTTTCTTAAGGCATGCATGGTAGAAAATGAATGTGAAGACCCCAGCCAGGAG[A>G]CTATTACGTTCCTCTATAAATTCATTAAGGGAGCTTGTCCTAAAAGCTATGGCTTTAATG-3'
Protein context (NP_000170.1, residues 1272-1292): ENECEDPSQE[Thr1282Ala]ITFLYKFIKG